The following is an entry in ClinVar:

ClinVar aggregate classification (germline): Benign (1 of 4 stars; one submission).

Allele frequency attached by ClinVar (database versions not stated): 1000 Genomes Project 0.60543; 1000 Genomes Project 30x 0.60790; TOPMed 0.60985; gnomAD 0.61295 and 0.61457.
gnomAD v4.1: 93,167 of 151,614 alleles (61%); highest among the groups gnomAD compares: South Asian, 68%; 28,715 homozygotes.

Submission:

GeneDx
Classification: Benign. Last evaluated: 2018-06-14. Review status: criteria provided, single submitter. Criteria: GeneDx Variant Classification (06012015). Collection method: clinical testing. Allele origin: germline. Affected: yes.
Comment: This variant is considered likely benign or benign based on one or more of the following criteria: it is a conservative change, it occurs at a poorly conserved position in the protein, it is predicted to be benign by multiple in silico algorithms, and/or has population frequency not consistent with disease.

NM_153717.3(EVC):c.1886+253C>T

Gene: EVC (EvC ciliary complex subunit 1; plus strand). Cytogenetic location: 4p16.2.
Variant type: single nucleotide variant.
Coding change: c.1886+253C>T on transcript NM_153717.3 (MANE Select); 253 bases into the intron after coding-DNA position 1886, C replaced by T.
Molecular consequence: intron variant.
Genome position (GRCh38, 1-based): chr4:5,793,970, C>T. VCF-style: chr4-5793970-C-T. GRCh37 (hg19) VCF-style: chr4-5795697-C-T.
Other names: c.1886+253C>T (NM_001306090.2).
Identifiers: ClinVar variation 669960 (VCV000669960.1), dbSNP rs13103000, ClinGen allele CA15322117.